The following is an entry in ClinVar:

ClinVar aggregate classification (germline): Uncertain significance. Review status: criteria provided, multiple submitters, no conflicts (2 of 4 stars). 2 submissions from 2 submitters: Uncertain significance (2). Last evaluated 2025-08-23.

Conditions:
Inborn genetic diseases. Identifiers: MedGen C0950123, MeSH D030342.

Allele frequency attached by ClinVar (database versions not stated): gnomAD exomes below 0.00001; ExAC 0.00001; gnomAD 0.00001; TOPMed 0.00001.

Submissions (2):

Ambry Genetics
Classification: Uncertain significance for Inborn genetic diseases. Last evaluated: 2025-08-23. Review status: criteria provided, single submitter. Criteria: Ambry Variant Classification Scheme 2023. Collection method: clinical testing. Allele origin: germline.

GeneDx
Classification: Uncertain significance. Last evaluated: 2023-03-13. Review status: criteria provided, single submitter. Criteria: GeneDx Variant Classification Process June 2021. Collection method: clinical testing. Allele origin: germline. Affected: yes.
Comment: Not observed at significant frequency in large population cohorts (gnomAD); In silico analysis supports that this missense variant has a deleterious effect on protein structure/function; Has not been previously published as pathogenic or benign to our knowledge

NM_000108.5(DLD):c.461G>A (p.Gly154Glu)

Gene: DLD (dihydrolipoamide dehydrogenase; plus strand). Cytogenetic location: 7q31.1.
Variant type: single nucleotide variant.
Coding change: c.461G>A on transcript NM_000108.5 (MANE Select); coding-DNA position 461, G replaced by A.
Protein change: p.Gly154Glu; replaces glycine 154 with glutamic acid.
Molecular consequence: missense variant. On other transcripts: intron variant (1).
Genome position (GRCh38, 1-based): chr7:107,905,383, G>A. VCF-style: chr7-107905383-G-A. GRCh37 (hg19) VCF-style: chr7-107545828-G-A.
Other names: c.164G>A, p.Gly55Glu (NM_001289750.1); c.392G>A, p.Gly131Glu (NM_001289751.1); c.438+325G>A (NM_001289752.1); short protein forms G131E, G154E, G55E.
Identifiers: ClinVar variation 2579763 (VCV002579763.2), dbSNP rs759348050, ClinGen allele CA4434477.